The following is an entry in ClinVar:

NM_006235.3(POU2AF1):c.147+91_147+92dup

Gene: POU2AF1 (POU class 2 homeobox associating factor 1; minus strand). Cytogenetic location: 11q23.1.
Variant type: Duplication.
Coding change: c.147+91_147+92dup on transcript NM_006235.3 (MANE Select); bases 91 to 92 of the intron after coding-DNA position 147, 2 bases duplicated (GT; older notation c.147+91_147+92dupGT).
Molecular consequence: intron variant.
Genome position (GRCh38, 1-based): chr11:111,358,696-111,358,697, AC duplicated on the plus strand (GT on the coding strand, the reverse complement: POU2AF1 is on the minus strand). VCF-style (leftmost placement, unchanged base first): chr11-111358695-T-TAC. GRCh37 (hg19) VCF-style: chr11-111229420-T-TAC.
Identifiers: ClinVar variation 2688213 (VCV002688213.2), dbSNP rs2496648918, ClinGen allele CA2697558901.
Genomic context (GRCh38, chr11:111,358,695, plus strand): 5'-CACACTATCACACTCTCACACACTCTATCACACACAAACACATACACACACGCATACACA[T>TAC]ACTCACACACACATACACTCTCACACTATCCCTGACACACACATTCTCTTTCACACACAC-3'

ClinVar aggregate classification (germline): Benign (1 of 4 stars; one submission).

Submission:

Unidad de Genómica Garrahan, Hospital de Pediatría Garrahan
Classification: Benign. Last evaluated: 2024-01-24. Review status: criteria provided, single submitter. Criteria: ACMG Guidelines, 2015. Collection method: clinical testing. Allele origin: germline. Affected: no. Observed: 32 variant alleles.
Comment: This variant is classified as Benign based on local population frequency. This variant was detected in 34% of patients studied by a panel of primary immunodeficiencies. Number of patients: 32. Only high quality variants are reported.